The following is an entry in ClinVar:

NM_001110.4(ADAM10):c.502G>A (p.Gly168Ser)

Gene: ADAM10 (ADAM metallopeptidase domain 10; minus strand). Cytogenetic location: 15q21.3.
Variant type: single nucleotide variant.
Coding change: c.502G>A on transcript NM_001110.4 (MANE Select); coding-DNA position 502, G replaced by A.
Protein change: p.Gly168Ser; replaces glycine 168 with serine.
Molecular consequence: missense variant.
Genome position (GRCh38, 1-based): chr15:58,665,180, C>T on the plus strand (G>A on the coding strand, the complement: ADAM10 is on the minus strand). VCF-style: chr15-58665180-C-T. GRCh37 (hg19) VCF-style: chr15-58957379-C-T.
Other names: c.502G>A, p.Gly168Ser (NM_001320570.2); short protein forms G168S.
Identifiers: ClinVar variation 3039863 (VCV003039863.2), dbSNP rs758796553, ClinGen allele CA7585716.

ClinVar aggregate classification (germline): Likely benign (0 of 4 stars; one submission).

Conditions:
ADAM10-related disorder. Also called: ADAM10-related condition.

Allele frequency attached by ClinVar (database versions not stated): gnomAD exomes 0.00003; gnomAD 0.00006; TOPMed 0.00006; ExAC 0.00018.
gnomAD v4.1: 48 of 1,611,588 alleles (0.003%); highest among the groups gnomAD compares: East Asian, 0.067%; no homozygotes.

Submission:

PreventionGenetics, part of Exact Sciences
Classification: Likely benign for ADAM10-related condition. Last evaluated: 2019-09-11. Review status: no assertion criteria provided. Collection method: clinical testing. Allele origin: germline.
Comment: This variant is classified as likely benign based on ACMG/AMP sequence variant interpretation guidelines (Richards et al. 2015 PMID: 25741868, with internal and published modifications).